The following is an entry in ClinVar:

ClinVar aggregate classification (germline): Uncertain significance (1 of 4 stars; one submission).

Submission:

Ambry Genetics
Classification: Uncertain significance. Last evaluated: 2026-08-23. Review status: criteria provided, single submitter. Criteria: Ambry Variant Classification Scheme 2023. Collection method: clinical testing. Allele origin: germline.
Comment: The p.Q660P variant (also known as c.1979A>C), located in coding exon 19 of the SRP72 gene, results from an A to C substitution at nucleotide position 1979. The glutamine at codon 660 is replaced by proline, an amino acid with similar properties. This amino acid position is conserved. In addition, this alteration is predicted to be tolerated by in silico analysis. Based on the available evidence, the clinical significance of this variant remains unclear.

NM_006947.4(SRP72):c.1979A>C (p.Gln660Pro)

Gene: SRP72 (signal recognition particle 72; plus strand). Cytogenetic location: 4q12.
Variant type: single nucleotide variant.
Coding change: c.1979A>C on transcript NM_006947.4 (MANE Select); coding-DNA position 1979, A replaced by C.
Protein change: p.Gln660Pro; replaces glutamine 660 with proline.
Molecular consequence: missense variant. On other transcripts: non-coding transcript variant (1).
Genome position (GRCh38, 1-based): chr4:56,501,824, A>C. VCF-style: chr4-56501824-A-C. GRCh37 (hg19) VCF-style: chr4-57367990-A-C.
Other names: c.1796A>C, p.Gln599Pro (NM_001267722.2); short protein forms Q599P, Q660P.
Identifiers: ClinVar variation 5030256 (VCV005030256.1).